The following is an entry in ClinVar:

NM_013432.5(TONSL):c.2665G>A (p.Ala889Thr)

Genes: TONSL (tonsoku like, DNA repair protein; minus strand), TONSL-AS1 (TONSL antisense RNA 1; plus strand). Cytogenetic location: 8q24.3.
Variant type: single nucleotide variant.
Coding change: c.2665G>A on transcript NM_013432.5 (MANE Select); coding-DNA position 2665, G replaced by A.
Protein change: p.Ala889Thr; replaces alanine 889 with threonine.
Molecular consequence: missense variant.
Genome position (GRCh38, 1-based): chr8:144,435,768, C>T on the plus strand (G>A on the coding strand, the complement: TONSL is on the minus strand). VCF-style: chr8-144435768-C-T. GRCh37 (hg19) VCF-style: chr8-145661151-C-T.
Other names: short protein forms A889T.
Identifiers: ClinVar variation 1713359 (VCV001713359.5), dbSNP rs1823423538, ClinGen allele CA372653443.

ClinVar aggregate classification (germline): Uncertain significance (1 of 4 stars; one submission).

Allele frequency attached by ClinVar (database versions not stated): gnomAD exomes below 0.00001; TOPMed 0.00001.
gnomAD v4.1: 1 of 1,612,878 alleles (0.000062%); highest among the groups gnomAD compares: Non-Finnish European, 0.000085%; no homozygotes.

Submission:

Labcorp Genetics (formerly Invitae), Labcorp
Classification: Uncertain significance. Last evaluated: 2022-08-20. Review status: criteria provided, single submitter. Criteria: Invitae Variant Classification Sherloc (09022015). Collection method: clinical testing. Allele origin: germline.
Comment: In summary, the available evidence is currently insufficient to determine the role of this variant in disease. Therefore, it has been classified as a Variant of Uncertain Significance. Algorithms developed to predict the effect of missense changes on protein structure and function output the following: SIFT: "Tolerated"; PolyPhen-2: "Benign"; Align-GVGD: "Class C0". The threonine amino acid residue is found in multiple mammalian species, which suggests that this missense change does not adversely affect protein function. This variant has not been reported in the literature in individuals affected with TONSL-related conditions. This variant is not present in population databases (gnomAD no frequency). This sequence change replaces alanine, which is neutral and non-polar, with threonine, which is neutral and polar, at codon 889 of the TONSL protein (p.Ala889Thr).